The following is an entry in ClinVar:

NM_001042492.3(NF1):c.5045_5046del (p.Asn1681_Cys1682insTer)

Gene: NF1 (neurofibromin 1; plus strand). Cytogenetic location: 17q11.2.
Variant type: Deletion.
Coding change: c.5045_5046del on transcript NM_001042492.3 (MANE Select); coding-DNA positions 5045 to 5046, 2 bases deleted (GT; older notation c.5045_5046delGT).
Protein change: p.Asn1681_Cys1682insTer.
Molecular consequence: nonsense. On other transcripts: frameshift variant (2).
Genome position (GRCh38, 1-based): chr17:31,326,029-31,326,030, GT deleted; deleting any 2 consecutive bases within chr17:31,326,028-31,326,030 gives the same sequence; the c. name uses the placement nearest the transcript's 3' end. VCF-style (leftmost placement, unchanged base first): chr17-31326027-CTG-C. GRCh37 (hg19) VCF-style: chr17-29653045-CTG-C.
Other names: c.5045_5046del (NM_001042492.2); c.4982_4983delGT, p.Cys1661Terfs (NM_000267.4); c.4981_4982del (NM_000267.3); c.4982_4983delGT (NM_000267.3).
Identifiers: ClinVar variation 803364 (VCV000803364.27), dbSNP rs1597829906, ClinGen allele CA915949797.

ClinVar aggregate classification (germline): Pathogenic/Likely pathogenic. Review status: criteria provided, multiple submitters, no conflicts (2 of 4 stars). 9 submissions from 9 submitters: Pathogenic (8); Likely pathogenic (1). Last evaluated 2025-04-23.

Conditions:
Hereditary cancer-predisposing syndrome. Also called: Neoplastic Syndromes, Hereditary; Hereditary Cancer Syndrome; Hereditary neoplastic syndrome; Tumor predisposition. Identifiers: Orphanet 140162, MedGen C0027672, MeSH D009386, MONDO:0015356.
Cardiovascular phenotype. Identifiers: MedGen CN230736.
Neurofibromatosis, familial spinal (FSNF). Identifiers: Orphanet 636, MedGen C1834235, MONDO:0008078, OMIM 162210. Disease mechanism: loss of function.
Juvenile myelomonocytic leukemia (JMML). Also called: LEUKEMIA, JUVENILE MYELOMONOCYTIC, SOMATIC. Identifiers: Orphanet 86834, MedGen C0349639, MONDO:0011908, OMIM 607785, HP:0012209.
Neurofibromatosis, type 1 (NF1). Also called: Peripheral type neurofibromatosis; VON RECKLINGHAUSEN DISEASE; NEUROFIBROMATOSIS, TYPE I, SOMATIC; Neurofibromatosis, type I. Identifiers: Orphanet 636, MedGen C0027831, MONDO:0018975, OMIM 162200. Disease mechanism: loss of function.
Neurofibromatosis-Noonan syndrome (NFNS). Also called: NEUROFIBROMATOSIS WITH NOONAN PHENOTYPE. Identifiers: Orphanet 638, MedGen C2931482, MONDO:0011035, OMIM 601321. Disease mechanism: loss of function.
Café-au-lait macules with pulmonary stenosis (WTSN). Also called: PULMONIC STENOSIS WITH CAFE-AU-LAIT SPOTS. Identifiers: MedGen C0553586, MONDO:0008672, OMIM 193520.
Cafe au lait spots, multiple. Also called: Neurofibromatosis type 6. Identifiers: Orphanet 2678, MedGen C1861975, MONDO:0007245, OMIM 114030, HP:0007565. Disease mechanism: loss of function.
Tibial pseudarthrosis. Identifiers: MedGen C4024216, HP:0009736.

Submissions (9):

Labcorp Genetics (formerly Invitae), Labcorp
Classification: Pathogenic for Neurofibromatosis, type 1. Last evaluated: 2025-04-23. Review status: criteria provided, single submitter. Criteria: Invitae Variant Classification Sherloc (09022015). Collection method: clinical testing. Allele origin: germline.
Comment: This sequence change creates a premature translational stop signal (p.Cys1661*) in the NF1 gene. It is expected to result in an absent or disrupted protein product. Loss-of-function variants in NF1 are known to be pathogenic (PMID: 10712197, 23913538). This variant is not present in population databases (gnomAD no frequency). This premature translational stop signal has been observed in individual(s) with NF1-related conditions (PMID: 21520333). Invitae Evidence Modeling of clinical and family history, age, sex, and reported ancestry of multiple individuals with this NF1 variant has been performed. This variant is expected to be pathogenic with a positive predictive value of at least 99%. This is a validated machine learning model that incorporates the clinical features of 1,785,918 individuals referred to our laboratory for NF1 testing. ClinVar contains an entry for this variant (Variation ID: 803364). For these reasons, this variant has been classified as Pathogenic.

Ambry Genetics
Classification: Pathogenic for Cardiovascular phenotype; Hereditary cancer-predisposing syndrome. Last evaluated: 2025-01-22. Review status: criteria provided, single submitter. Criteria: Ambry Variant Classification Scheme 2023. Collection method: clinical testing. Allele origin: germline.
Comment: The c.4982_4983delGT pathogenic mutation, located in coding exon 36 of the NF1 gene, results from a deletion of two nucleotides at nucleotide positions 4982 to 4983, causing a translational frameshift with a predicted alternate stop codon (p.C1661*). This variant was reported in individual(s) with features consistent with Neurofibromatosis type 1; in at least one individual (Napolitano F et al. Genes (Basel), 2022 Jun;13:). This variant is considered to be rare based on population cohorts in the Genome Aggregation Database (gnomAD). In addition to the clinical data presented in the literature, this alteration is expected to result in loss of function by premature protein truncation or nonsense-mediated mRNA decay. As such, this alteration is interpreted as a disease-causing mutation.

GeneDx
Classification: Pathogenic. Last evaluated: 2022-11-23. Review status: criteria provided, single submitter. Criteria: GeneDx Variant Classification Process June 2021. Collection method: clinical testing. Allele origin: germline. Affected: yes.
Comment: Nonsense variant predicted to result in protein truncation or nonsense mediated decay in a gene for which loss of function is a known mechanism of disease; Not observed at significant frequency in large population cohorts (gnomAD); This variant is associated with the following publications: (PMID: 35885913, 35024939)

Genome-Nilou Lab
Classification: Pathogenic for Neurofibromatosis, type 1. Last evaluated: 2022-03-15. Review status: criteria provided, single submitter. Criteria: ACMG Guidelines, 2015. Collection method: clinical testing. Allele origin: germline. Affected: no.

The Laboratory of Genetics and Metabolism, Hunan Children’s Hospital
Classification: Pathogenic for Cafe au lait spots, multiple; Tibial pseudarthrosis. Last evaluated: 2021-09-24. Review status: criteria provided, single submitter. Criteria: ACMG Guidelines, 2015. Collection method: research. Allele origin: maternal. Affected: yes. Observed: 1 variant allele.

Fulgent Genetics
Classification: Pathogenic for Neurofibromatosis, type 1; Neurofibromatosis, familial spinal; Café-au-lait macules with pulmonary stenosis; Neurofibromatosis-Noonan syndrome; Juvenile myelomonocytic leukemia. Last evaluated: 2021-07-14. Review status: criteria provided, single submitter. Criteria: ACMG Guidelines, 2015. Collection method: clinical testing. Allele origin: unknown.

Genome Diagnostics Laboratory, The Hospital for Sick Children
Classification: Pathogenic for Neurofibromatosis, type 1. Last evaluated: 2020-10-26. Review status: criteria provided, single submitter. Criteria: ACMG Guidelines, 2015. Collection method: clinical testing. Allele origin: germline. Affected: yes.

Mendelics
Classification: Likely pathogenic for Neurofibromatosis, type 1. Last evaluated: 2019-05-28. Review status: criteria provided, single submitter. Criteria: Mendelics Assertion Criteria 2017. Collection method: clinical testing. Allele origin: unknown.

Juno Genomics, Hangzhou Juno Genomics, Inc
Classification: Pathogenic for Neurofibromatosis, type 1. Review status: criteria provided, single submitter. Criteria: ACMG Guidelines, 2015. Collection method: clinical testing. Allele origin: germline. Affected: yes.
Comment: Absent from controls (or at extremely low frequency if recessive) in Genome Aggregation Database, Exome Sequencing Project, 1000 Genomes Project, or Exome Aggregation Consortium.;Null variant in a gene where loss of function (LOF) is a known mechanism of disease.;Assumed de novo, but without confirmation of paternity and maternity.;The prevalence of the variant in affected individuals is significantly increased compared to the prevalence in controls.;Patient's phenotype or family history is highly specific for a disease with a single genetic etiology.

Literature cited by the submitters: PubMed 10712197 (cited by Labcorp Genetics (formerly Invitae), Labcorp); PubMed 23913538 (cited by Labcorp Genetics (formerly Invitae), Labcorp); PubMed 21520333 (cited by Labcorp Genetics (formerly Invitae), Labcorp); PubMed 35885913 (cited by Ambry Genetics); PubMed 35024939 (cited by The Laboratory of Genetics and Metabolism, Hunan Children’s Hospital).